The following is an entry in ClinVar:

NM_002474.3(MYH11):c.505C>A (p.Arg169=)

Gene: MYH11 (myosin heavy chain 11; minus strand). Cytogenetic location: 16p13.11.
Variant type: single nucleotide variant.
Coding change: c.505C>A on transcript NM_002474.3 (MANE Select); coding-DNA position 505, C replaced by A.
Protein change: p.Arg169=; no amino-acid change (arginine 169 retained).
Molecular consequence: synonymous variant.
Genome position (GRCh38, 1-based): chr16:15,798,685, G>T on the plus strand (C>A on the coding strand, the complement: MYH11 is on the minus strand). VCF-style: chr16-15798685-G-T. GRCh37 (hg19) VCF-style: chr16-15892542-G-T.
Other names: c.505C>A, p.Arg169= (NM_001040113.2, NM_001040114.2, NM_022844.3).
Identifiers: ClinVar variation 2163536 (VCV002163536.5), dbSNP rs767290755, ClinGen allele CA278608282.

ClinVar aggregate classification (germline): Uncertain significance. Review status: criteria provided, multiple submitters, no conflicts (2 of 4 stars). 2 submissions from 2 submitters: Uncertain significance (2). Last evaluated 2023-03-23.

Conditions:
Familial thoracic aortic aneurysm and aortic dissection (TAAD). Also called: Thoracic aortic aneurysms and dissections. Identifiers: Orphanet 91387, MedGen C4707243, MONDO:0019625.
Aortic aneurysm, familial thoracic 4 (AAT4). Also called: AORTIC ANEURYSM/AORTIC DISSECTION AND PATENT DUCTUS ARTERIOSUS. Identifiers: MedGen C1851504, MONDO:0007568, OMIM 132900.

gnomAD v4.1: 5 of 1,610,164 alleles (0.00031%); highest among the groups gnomAD compares: African/African-American, 0.0041%; no homozygotes.

Submissions (2):

All of Us Research Program, National Institutes of Health
Classification: Uncertain significance for Familial thoracic aortic aneurysm and aortic dissection. Last evaluated: 2023-03-23. Review status: criteria provided, single submitter. Criteria: ACMG Guidelines, 2015. Collection method: clinical testing. Allele origin: germline. Inheritance: Autosomal dominant inheritance. Observed: 1 variant allele, 1 heterozygote.
Comment: This synonymous variant does not change the amino acid sequence of the MYH11 protein. Computational splicing tools are inconclusive regarding the impact of this variant on RNA splicing. To our knowledge, functional studies have not been reported for this variant. This variant has not been reported in individuals affected with MYH11-related disorders in the literature. This variant has been identified in 1/250992 chromosomes in the general population by the Genome Aggregation Database (gnomAD). The available evidence is insufficient to determine the role of this variant in disease conclusively. Therefore, this variant is classified as a Variant of Uncertain Significance.

This study involves interpretation of variants in research participants for the purpose of population health screening. Participant phenotype was not available at the time of variant classification. Additional details can be found in publication PMID: 35346344, PMCID: PMC8962531

Labcorp Genetics (formerly Invitae), Labcorp
Classification: Uncertain significance for Aortic aneurysm, familial thoracic 4. Last evaluated: 2022-02-07. Review status: criteria provided, single submitter. Criteria: Invitae Variant Classification Sherloc (09022015). Collection method: clinical testing. Allele origin: germline.
Comment: This sequence change affects codon 169 of the MYH11 mRNA. It is a 'silent' change, meaning that it does not change the encoded amino acid sequence of the MYH11 protein. The frequency data for this variant in the population databases is considered unreliable, as metrics indicate poor data quality at this position in the gnomAD database. This variant has not been reported in the literature in individuals affected with MYH11-related conditions. Algorithms developed to predict the effect of sequence changes on RNA splicing suggest that this variant may create or strengthen a splice site. In summary, the available evidence is currently insufficient to determine the role of this variant in disease. Therefore, it has been classified as a Variant of Uncertain Significance.